The following is an entry in ClinVar:

NM_020461.4(TUBGCP6):c.4821+6C>T

Gene: TUBGCP6 (tubulin gamma complex component 6; minus strand). Cytogenetic location: 22q13.33.
Variant type: single nucleotide variant.
Coding change: c.4821+6C>T on transcript NM_020461.4 (MANE Select); 6 bases into the intron after coding-DNA position 4821, C replaced by T.
Molecular consequence: intron variant.
Genome position (GRCh38, 1-based): chr22:50,218,697, G>A on the plus strand (C>T on the coding strand, the complement: TUBGCP6 is on the minus strand). VCF-style: chr22-50218697-G-A. GRCh37 (hg19) VCF-style: chr22-50657126-G-A.
Identifiers: ClinVar variation 1463628 (VCV001463628.4), dbSNP rs755407411, ClinGen allele CA10307333.

ClinVar aggregate classification (germline): Uncertain significance (1 of 4 stars; one submission).

Allele frequency attached by ClinVar (database versions not stated): gnomAD exomes below 0.00001; gnomAD 0.00001 and 0.00002; ExAC 0.00002; TOPMed 0.00002.
gnomAD v4.1: 6 of 1,613,448 alleles (0.00037%); highest among the groups gnomAD compares: African/African-American, 0.0013%; no homozygotes.

Submission:

Labcorp Genetics (formerly Invitae), Labcorp
Classification: Uncertain significance. Last evaluated: 2023-07-17. Review status: criteria provided, single submitter. Criteria: Invitae Variant Classification Sherloc (09022015). Collection method: clinical testing. Allele origin: germline.
Comment: This sequence change falls in intron 21 of the TUBGCP6 gene. It does not directly change the encoded amino acid sequence of the TUBGCP6 protein. It affects a nucleotide within the consensus splice site. This variant is present in population databases (rs755407411, gnomAD 0.0009%). This variant has not been reported in the literature in individuals affected with TUBGCP6-related conditions. ClinVar contains an entry for this variant (Variation ID: 1463628). Variants that disrupt the consensus splice site are a relatively common cause of aberrant splicing (PMID: 17576681, 9536098). Algorithms developed to predict the effect of sequence changes on RNA splicing suggest that this variant is not likely to affect RNA splicing. In summary, the available evidence is currently insufficient to determine the role of this variant in disease. Therefore, it has been classified as a Variant of Uncertain Significance.

Literature cited by the submitters: PubMed 17576681; PubMed 9536098.